The following is an entry in ClinVar:

ClinVar aggregate classification (germline): Uncertain significance (1 of 4 stars; one submission).

Conditions:
Myofibrillar myopathy 4. Also called: Zaspopathy (type). Identifiers: Orphanet 98912, MedGen C4721886, MONDO:0012277, OMIM 609452.

Allele frequency attached by ClinVar (database versions not stated): gnomAD 0.00001; gnomAD exomes 0.00001; ExAC 0.00002; 1000 Genomes Project 30x 0.00016; 1000 Genomes Project 0.00020.
gnomAD v4.1: 4 of 1,614,130 alleles (0.00025%); highest among the groups gnomAD compares: Admixed American, 0.005%; no homozygotes.

Submission:

Labcorp Genetics (formerly Invitae), Labcorp
Classification: Uncertain significance for Myofibrillar myopathy 4. Last evaluated: 2021-05-08. Review status: criteria provided, single submitter. Criteria: Invitae Variant Classification Sherloc (09022015). Collection method: clinical testing. Allele origin: germline.
Comment: This variant has not been reported in the literature in individuals with LDB3-related conditions. This sequence change replaces isoleucine with phenylalanine at codon 230 of the LDB3 protein (p.Ile230Phe). The isoleucine residue is moderately conserved and there is a small physicochemical difference between isoleucine and phenylalanine. This variant is present in population databases (rs78680509, ExAC 0.02%). Algorithms developed to predict the effect of missense changes on protein structure and function (SIFT, PolyPhen-2, Align-GVGD) all suggest that this variant is likely to be tolerated, but these predictions have not been confirmed by published functional studies and their clinical significance is uncertain. In summary, the available evidence is currently insufficient to determine the role of this variant in disease. Therefore, it has been classified as a Variant of Uncertain Significance.

NM_007078.3(LDB3):c.829A>T (p.Ile277Phe)

Gene: LDB3 (LIM domain binding 3; plus strand). Cytogenetic location: 10q23.2.
Variant type: single nucleotide variant.
Coding change: c.829A>T on transcript NM_007078.3 (MANE Select); coding-DNA position 829, A replaced by T.
Protein change: p.Ile277Phe; replaces isoleucine 277 with phenylalanine.
Molecular consequence: missense variant.
Genome position (GRCh38, 1-based): chr10:86,692,035, A>T. VCF-style: chr10-86692035-A-T. GRCh37 (hg19) VCF-style: chr10-88451792-A-T.
Other names: c.688A>T, p.Ile230Phe (NM_001080114.2, NM_001080116.1, NM_001368066.1 and 2 more transcripts); c.829A>T, p.Ile277Phe (NM_001080115.2, NM_001368063.1, NM_001368064.1 and 1 more transcripts); c.1033A>T, p.Ile345Phe (NM_001171610.2, NM_001171611.2); short protein forms I230F, I277F, I345F.
Identifiers: ClinVar variation 1352431 (VCV001352431.8), dbSNP rs78680509, ClinGen allele CA5584900.